The following is an entry in ClinVar:

ClinVar aggregate classification (germline): Pathogenic. Review status: criteria provided, multiple submitters, no conflicts (2 of 4 stars). 2 submissions from 2 submitters: Pathogenic (2). Last evaluated 2024-07-27.

Submissions (2):

GeneDx
Classification: Pathogenic. Last evaluated: 2024-07-27. Review status: criteria provided, single submitter. Criteria: GeneDx Variant Classification Process June 2021. Collection method: clinical testing. Allele origin: germline. Affected: yes.
Comment: Not observed at significant frequency in large population cohorts (gnomAD); Nonsense variant predicted to result in protein truncation or nonsense mediated decay in a gene for which loss of function is a known mechanism of disease; Based on the understanding of this genetic alteration, it may be amenable to nonsense read-through therapy that is currently available or in clinical trial; This variant is associated with the following publications: (PMID: 28859693, 20485447, 32746448)

Eurofins Ntd Llc (ga)
Classification: Pathogenic. Last evaluated: 2015-03-09. Review status: criteria provided, single submitter. Criteria: EGL Classification Definitions 2015. Collection method: clinical testing. Allele origin: germline. Observed: 1 variant allele, 1 hemizygote.

NM_004006.3(DMD):c.9216C>G (p.Tyr3072Ter)

Gene: DMD (dystrophin; minus strand). Cytogenetic location: Xp21.2.
Variant type: single nucleotide variant.
Coding change: c.9216C>G on transcript NM_004006.3 (MANE Select); coding-DNA position 9216, C replaced by G.
Protein change: p.Tyr3072Ter; replaces tyrosine 3072 with a stop codon.
Molecular consequence: nonsense.
Genome position (GRCh38, 1-based): chrX:31,323,606, G>C on the plus strand (C>G on the coding strand, the complement: DMD is on the minus strand). VCF-style: chrX-31323606-G-C. GRCh37 (hg19) VCF-style: chrX-31341723-G-C.
Other names: c.9192C>G, p.Tyr3064Ter (NM_000109.4); c.9204C>G, p.Tyr3068Ter (NM_004009.3); c.8847C>G, p.Tyr2949Ter (NM_004010.3); c.5193C>G, p.Tyr1731Ter (NM_004011.4); c.5184C>G, p.Tyr1728Ter (NM_004012.4); c.1836C>G, p.Tyr612Ter (NM_004013.3, NM_004020.4, NM_004021.3 and 2 more transcripts); c.1029C>G, p.Tyr343Ter (NM_004014.3); short protein forms Y3072*, Y2949*, Y3064*, Y3068*, Y343*, Y1728*, Y1731*, Y612*.
Identifiers: ClinVar variation 198320 (VCV000198320.8), dbSNP rs794727820, ClinGen allele CA275366.